The following is an entry in ClinVar:

NM_018089.3(ANKZF1):c.1993C>T (p.Arg665Ter)

Gene: ANKZF1 (ankyrin repeat and zinc finger peptidyl tRNA hydrolase 1; plus strand). Cytogenetic location: 2q35.
Variant type: single nucleotide variant.
Coding change: c.1993C>T on transcript NM_018089.3 (MANE Select); coding-DNA position 1993, C replaced by T.
Protein change: p.Arg665Ter; replaces arginine 665 with a stop codon.
Molecular consequence: nonsense.
Genome position (GRCh38, 1-based): chr2:219,236,031, C>T. VCF-style: chr2-219236031-C-T. GRCh37 (hg19) VCF-style: chr2-220100753-C-T.
Other names: c.1993C>T (NM_018089.2); c.1993C>T, p.Arg665Ter (NM_001042410.2); c.1363C>T, p.Arg455Ter (NM_001282792.2); short protein forms R665*, R455*.
Identifiers: ClinVar variation 2033878 (VCV002033878.5), dbSNP rs75631738, ClinGen allele CA2121275.

ClinVar aggregate classification (germline): Uncertain significance. Review status: criteria provided, multiple submitters, no conflicts (2 of 4 stars). 2 submissions from 2 submitters: Uncertain significance (2). Last evaluated 2025-07-23.

Conditions:
ANKZF1-related disorder. Also called: ANKZF1-related condition.

Allele frequency attached by ClinVar (database versions not stated): gnomAD exomes 0.00003; 1000 Genomes Project 30x 0.00031; TOPMed 0.00002; 1000 Genomes Project 0.00020; ExAC 0.00001; gnomAD 0.00002.

Submissions (2):

Labcorp Genetics (formerly Invitae), Labcorp
Classification: Uncertain significance. Last evaluated: 2025-07-23. Review status: criteria provided, single submitter. Criteria: Invitae Variant Classification Sherloc (09022015). Collection method: clinical testing. Allele origin: germline.
Comment: This sequence change creates a premature translational stop signal (p.Arg665*) in the ANKZF1 gene. It is expected to result in an absent or disrupted protein product. However, the current clinical and genetic evidence is not sufficient to establish whether loss-of-function variants in ANKZF1 cause disease. This variant is present in population databases (rs75631738, gnomAD 0.002%). This variant has not been reported in the literature in individuals affected with ANKZF1-related conditions. ClinVar contains an entry for this variant (Variation ID: 2033878). Algorithms developed to predict the effect of sequence changes on RNA splicing suggest that this variant may disrupt the consensus splice site. In summary, the available evidence is currently insufficient to determine the role of this variant in disease. Therefore, it has been classified as a Variant of Uncertain Significance.

PreventionGenetics, part of Exact Sciences
Classification: Uncertain significance for ANKZF1-related condition. Last evaluated: 2023-02-13. Review status: criteria provided, single submitter. Criteria: ACMG Guidelines, 2015. Collection method: clinical testing. Allele origin: germline.
Comment: The ANKZF1 c.1993C>T variant is predicted to result in premature protein termination (p.Arg665*). To our knowledge, this variant has not been reported in the literature. This variant is reported in 0.0028% of alleles in individuals of Latino descent in gnomAD. At this time, the clinical significance of this variant is uncertain due to the absence of conclusive functional and genetic evidence.